The following is an entry in ClinVar:

ClinVar aggregate classification (germline): Uncertain significance (3 of 4 stars; one submission).

Conditions:
Glanzmann thrombasthenia. Also called: THROMBASTHENIA OF GLANZMANN AND NAEGELI; PLATELET GLYCOPROTEIN IIb-IIIa DEFICIENCY; Thrombasthenia; Glanzmann's thrombasthenia. Identifiers: Orphanet 849, MedGen C0040015, MONDO:0100326.

Submission:

ClinGen Platelet Disorders Variant Curation Expert Panel, ClinGen
Classification: Uncertain significance for Glanzmann thrombasthenia. Last evaluated: 2026-01-20. Review status: reviewed by expert panel. Criteria: ClinGen Platelet ACMG Specifications v2-1. Collection method: curation. Allele origin: germline. Inheritance: Autosomal recessive inheritance.
Comment: The NM_000419.5(ITGA2B):c.617T>A (p.Val206Asp) missense variant was identified in a patient (Patient 2, PMID: 28888044) with severe bleeding. This variant was identified in a patient (Patient 2, PMID 28888044) with a severe bleeding type; common presentations in this cohort included recurrent epistaxis, bleeding in the oral cavity, and easy bruising spontaneously or after trauma. Platelet aggregation was negative for the agonists collagen, ADP, and arachidonic acid but was normal for ristocetin. Flow cytometry to analyze the platelet surface for CD41 and CD61 showed reduced expression in all patients (PP4_Moderate). This variant is absent from the gnomAD database v4.1 (PM2_Supporting). This variant was confirmed in the homozygous state in the patient. Parents were genotyped and were both heterozygous for this same variant (Patient 2 PMID: 28888044; PM3_supporting). In summary, this variant meets the criteria to be classified as uncertain significance for autosomal recessive Glanzmann Thrombasthenia based on the ACMG/AMP criteria applied, as specified by the ClinGen PD VCEP: PP4_Moderate, PM2_supporting, and PM3_supporting.

NM_000419.5(ITGA2B):c.617T>A (p.Val206Asp)

Gene: ITGA2B (integrin subunit alpha 2b; minus strand). Cytogenetic location: 17q21.31.
Variant type: single nucleotide variant.
Coding change: c.617T>A on transcript NM_000419.5 (MANE Select); coding-DNA position 617, T replaced by A.
Protein change: p.Val206Asp; replaces valine 206 with aspartic acid.
Molecular consequence: missense variant.
Genome position (GRCh38, 1-based): chr17:44,385,293, A>T on the plus strand (T>A on the coding strand, the complement: ITGA2B is on the minus strand). VCF-style: chr17-44385293-A-T. GRCh37 (hg19) VCF-style: chr17-42462661-A-T.
Other names: NM_000419.5:c.617T>A; short protein forms V206D.
Identifiers: ClinVar variation 2506409 (VCV002506409.2), dbSNP rs2510084192, ClinGen allele CA399805578.